The following is an entry in ClinVar:

ClinVar aggregate classification (germline): Uncertain significance. Review status: criteria provided, multiple submitters, no conflicts (2 of 4 stars). 7 submissions from 3 submitters: Uncertain significance (7). Last evaluated 2024-12-03.

Conditions:
Early-onset myopathy with fatal cardiomyopathy (CMYO5). Also called: CONGENITAL MYOPATHY 5 WITH CARDIOMYOPATHY; Salih Myopathy. Identifiers: Orphanet 289377, MedGen C2673677, MONDO:0012714, OMIM 611705. Disease mechanism: loss of function.
Myopathy, myofibrillar, 9, with early respiratory failure (MFM9). Also called: EDSTROM MYOPATHY; MYOPATHY, PROXIMAL, WITH EARLY RESPIRATORY MUSCLE INVOLVEMENT; Myopathy, distal, with early respiratory failure, autosomal dominant; Hereditary myopathy with early respiratory failure. Identifiers: Orphanet 178464, Orphanet 34521, MedGen C1863599, MONDO:0011362, OMIM 603689.
Tibial muscular dystrophy (TMD). Also called: Tibial muscular dystrophy, tardive; UDD MYOPATHY; Udd Distal Myopathy – Tibial Muscular Dystrophy. Identifiers: Orphanet 609, MedGen C1838244, MONDO:0010870, OMIM 600334.
Autosomal recessive limb-girdle muscular dystrophy type 2J (LGMDR10). Also called: Limb-girdle muscular dystrophy, type 2J; MUSCULAR DYSTROPHY, LIMB-GIRDLE, AUTOSOMAL RECESSIVE 10. Identifiers: Orphanet 140922, MedGen C1837342, MONDO:0012127, OMIM 608807.
Dilated cardiomyopathy 1G (CMD1G). Identifiers: Orphanet 154, MedGen C1858763, MONDO:0011400, OMIM 604145.

Allele frequency attached by ClinVar (database versions not stated): gnomAD exomes 0.00001.
gnomAD v4.1: 19 of 1,611,340 alleles (0.0012%); highest among the groups gnomAD compares: East Asian, 0.0022%; no homozygotes.

Submissions (7):

GeneDx
Classification: Uncertain significance. Last evaluated: 2024-12-03. Review status: criteria provided, single submitter. Criteria: GeneDx Variant Classification Process June 2021. Collection method: clinical testing. Allele origin: germline. Affected: yes.
Comment: Not observed at significant frequency in large population cohorts (gnomAD); Missense variant in a gene in which most reported pathogenic variants are truncating/loss of function; Has not been previously published as pathogenic or benign to our knowledge; This variant is associated with the following publications: (PMID: 32039858)

Athena Diagnostics
Classification: Uncertain significance. Last evaluated: 2022-04-04. Review status: criteria provided, single submitter. Criteria: Athena Diagnostics Criteria. Collection method: clinical testing. Allele origin: unknown.

Illumina Laboratory Services, Illumina
Classification: Uncertain significance for Dilated cardiomyopathy 1G. Last evaluated: 2018-01-12. Review status: criteria provided, single submitter. Criteria: ICSL Variant Classification Criteria 13 December 2019. Collection method: clinical testing. Allele origin: germline.

Illumina Laboratory Services, Illumina
Classification: Uncertain significance for Early-onset myopathy with fatal cardiomyopathy. Last evaluated: 2018-01-12. Review status: criteria provided, single submitter. Criteria: ICSL Variant Classification Criteria 13 December 2019. Collection method: clinical testing. Allele origin: germline.

Illumina Laboratory Services, Illumina
Classification: Uncertain significance for Tibial muscular dystrophy. Last evaluated: 2018-01-12. Review status: criteria provided, single submitter. Criteria: ICSL Variant Classification Criteria 13 December 2019. Collection method: clinical testing. Allele origin: germline.

Illumina Laboratory Services, Illumina
Classification: Uncertain significance for Autosomal recessive limb-girdle muscular dystrophy type 2J. Last evaluated: 2018-01-12. Review status: criteria provided, single submitter. Criteria: ICSL Variant Classification Criteria 13 December 2019. Collection method: clinical testing. Allele origin: germline.

Illumina Laboratory Services, Illumina
Classification: Uncertain significance for Myopathy, myofibrillar, 9, with early respiratory failure. Last evaluated: 2018-01-12. Review status: criteria provided, single submitter. Criteria: ICSL Variant Classification Criteria 13 December 2019. Collection method: clinical testing. Allele origin: germline.

Literature cited by the submitters: PubMed 32039858 (cited by Athena Diagnostics).

NM_001267550.2(TTN):c.15797G>A (p.Arg5266Gln)

Gene: TTN (titin; minus strand). Cytogenetic location: 2q31.2.
Variant type: single nucleotide variant.
Coding change: c.15797G>A on transcript NM_001267550.2 (MANE Select); coding-DNA position 15797, G replaced by A.
Protein change: p.Arg5266Gln; replaces arginine 5266 with glutamine.
Molecular consequence: missense variant. On other transcripts: intron variant (3).
Genome position (GRCh38, 1-based): chr2:178,733,496, C>T on the plus strand (G>A on the coding strand, the complement: TTN is on the minus strand). VCF-style: chr2-178733496-C-T. GRCh37 (hg19) VCF-style: chr2-179598223-C-T.
Other names: c.14846G>A, p.Arg4949Gln (NM_001256850.1); c.12065G>A, p.Arg4022Gln (NM_133378.4); c.13282+4586G>A (NM_003319.4); c.13858+4586G>A (NM_133437.4); c.13657+4586G>A (NM_133432.3); c.15797G>A (NM_001267550.1); short protein forms R4022Q, R4949Q, R5266Q.
Identifiers: ClinVar variation 894635 (VCV000894635.6), dbSNP rs749816144, ClinGen allele CA60980266.